The following is an entry in ClinVar:

NM_020832.3(ZNF687):c.2278C>T (p.Arg760Cys)

Gene: ZNF687 (zinc finger protein 687; plus strand). Cytogenetic location: 1q21.3.
Variant type: single nucleotide variant.
Coding change: c.2278C>T on transcript NM_020832.3 (MANE Select); coding-DNA position 2278, C replaced by T.
Protein change: p.Arg760Cys; replaces arginine 760 with cysteine.
Molecular consequence: missense variant.
Genome position (GRCh38, 1-based): chr1:151,288,690, C>T. VCF-style: chr1-151288690-C-T. GRCh37 (hg19) VCF-style: chr1-151261166-C-T.
Other names: c.2278C>T, p.Arg760Cys (NM_001304763.2, NM_001304764.2); short protein forms R760C.
Identifiers: ClinVar variation 4765070 (VCV004765070.1).

ClinVar aggregate classification (germline): Uncertain significance (1 of 4 stars; one submission).

gnomAD v4.1: 2 of 1,613,084 alleles (0.00012%); highest among the groups gnomAD compares: South Asian, 0.0011%; no homozygotes.

Submission:

Labcorp Genetics (formerly Invitae), Labcorp
Classification: Uncertain significance. Last evaluated: 2025-06-16. Review status: criteria provided, single submitter. Criteria: Invitae Variant Classification Sherloc (09022015). Collection method: clinical testing. Allele origin: germline.
Comment: This sequence change replaces arginine, which is basic and polar, with cysteine, which is neutral and slightly polar, at codon 760 of the ZNF687 protein (p.Arg760Cys). This variant is not present in population databases (gnomAD no frequency). This variant has not been reported in the literature in individuals affected with ZNF687-related conditions. An algorithm developed to predict the effect of missense changes on protein structure and function (PolyPhen-2) suggests that this variant is likely to be disruptive. In summary, the available evidence is currently insufficient to determine the role of this variant in disease. Therefore, it has been classified as a Variant of Uncertain Significance.